The following is an entry in ClinVar:

NM_001165963.4(SCN1A):c.5327T>A (p.Val1776Asp)

Genes: SCN1A (sodium voltage-gated channel alpha subunit 1; minus strand), LOC102724058 (uncharacterized LOC102724058; plus strand). Cytogenetic location: 2q24.3.
Variant type: single nucleotide variant.
Coding change: c.5327T>A on transcript NM_001165963.4 (MANE Select); coding-DNA position 5327, T replaced by A.
Protein change: p.Val1776Asp; replaces valine 1776 with aspartic acid.
Molecular consequence: missense variant. On other transcripts: non-coding transcript variant (1).
Genome position (GRCh38, 1-based): chr2:165,991,948, A>T on the plus strand (T>A on the coding strand, the complement: SCN1A is on the minus strand). VCF-style: chr2-165991948-A-T. GRCh37 (hg19) VCF-style: chr2-166848458-A-T.
Other names: c.5291T>A, p.Val1764Asp (NM_001353954.2, NM_001353955.2); c.5243T>A, p.Val1748Asp (NM_001353957.2, NM_001353958.2, NM_001165964.3); c.5240T>A, p.Val1747Asp (NM_001353960.2); c.2885T>A, p.Val962Asp (NM_001353961.2); c.5294T>A, p.Val1765Asp (NM_006920.6, NM_001353949.2, NM_001353950.2 and 2 more transcripts); c.5327T>A, p.Val1776Asp (NM_001202435.3, NM_001353948.2); short protein forms V1747D, V1748D, V1764D, V1765D, V1776D, V962D.
Identifiers: ClinVar variation 4881855 (VCV004881855.2).
Genomic context (GRCh38, chr2:165,991,948, plus strand): 5'-CTTTCTTCAGTAGCAACACTGAAGTTCTCCAGGATGACCGCGATGTACATGTTCACCACA[A>T]CCAGGAAGGATATGATGATGTAACTGACAAAAAAGAAAATTCCAACAGATGGGTTCCCAC-3'
Protein context (NP_001159435.1, residues 1766-1786): FVSYIIISFL[Val1776Asp]VVNMYIAVIL

ClinVar aggregate classification (germline): Uncertain significance (1 of 4 stars; one submission).

Submission:

Dasa
Classification: Uncertain significance. Last evaluated: 2025-02-05. Review status: criteria provided, single submitter. Criteria: DASA Assertion Criteria. Collection method: clinical testing. Allele origin: germline.
Comment: NM_001165963.4(SCN1A):c.5327T>A (p.Val1776Asp) is a missense variant that results in the substitution of valine with aspartic acid. The affected residue or protein region has prior evidence supporting clinical relevance. This variant is absent from population databases. Computational prediction algorithms are consistent with a deleterious effect. The currently available literature and clinical evidence are not sufficient to establish a definitive association between this variant and the reported condition. Therefore, this variant is classified as a variant of uncertain significance.